The following is an entry in ClinVar:

NM_000186.4(CFH):c.3515A>C (p.Glu1172Ala)

Gene: CFH (complement factor H; plus strand). Cytogenetic location: 1q31.3.
Variant type: single nucleotide variant.
Coding change: c.3515A>C on transcript NM_000186.4 (MANE Select); coding-DNA position 3515, A replaced by C.
Protein change: p.Glu1172Ala; replaces glutamic acid 1172 with alanine.
Molecular consequence: missense variant.
Genome position (GRCh38, 1-based): chr1:196,747,132, A>C. VCF-style: chr1-196747132-A-C. GRCh37 (hg19) VCF-style: chr1-196716262-A-C.
Other names: short protein forms E1172A.
Identifiers: ClinVar variation 4291595 (VCV004291595.1).

ClinVar aggregate classification (germline): Uncertain significance (1 of 4 stars; one submission).

Conditions:
Atypical hemolytic-uremic syndrome. Identifiers: Orphanet 2134, MedGen C2931788, MONDO:0016244.

Submission:

Genomenon, Inc
Classification: Uncertain significance for Atypical hemolytic-uremic syndrome. Last evaluated: 2025-10-02. Review status: criteria provided, single submitter. Criteria: Genomenon Sequence Variant Interpretation Standards - Updated. Collection method: curation. Allele origin: germline. Affected: yes.
Comment: CFH p.Glu1172Ala (c.3515A>C) is a missense variant that changes the amino acid at residue 1172 from Glutamic acid to Alanine. This variant has been observed in at least one proband affected with atypical hemolytic-uremic syndrome (PMID:33784485). It is absent or not present at a significant frequency in gnomAD. In conclusion, we classify CFH p.Glu1172Ala (c.3515A>C) as a variant of uncertain significance.

Literature cited by the submitters: PubMed 33784485.